The following is an entry in ClinVar:

ClinVar aggregate classification (germline): Uncertain significance (1 of 4 stars; one submission).

Conditions:
Gastrointestinal stromal tumor. Also called: Gastrointestinal stromal tumor, somatic; Gastrointestinal stroma tumor. Identifiers: Orphanet 44890, MedGen C0238198, MeSH D046152, MONDO:0011719, OMIM 606764, HP:0100723.

Submission:

Labcorp Genetics (formerly Invitae), Labcorp
Classification: Uncertain significance for Gastrointestinal stromal tumor. Last evaluated: 2023-11-03. Review status: criteria provided, single submitter. Criteria: Invitae Variant Classification Sherloc (09022015). Collection method: clinical testing. Allele origin: germline.
Comment: This sequence change replaces serine, which is neutral and polar, with threonine, which is neutral and polar, at codon 601 of the PDGFRA protein (p.Ser601Thr). This variant is not present in population databases (gnomAD no frequency). This variant has not been reported in the literature in individuals affected with PDGFRA-related conditions. Advanced modeling of protein sequence and biophysical properties (such as structural, functional, and spatial information, amino acid conservation, physicochemical variation, residue mobility, and thermodynamic stability) has been performed at Invitae for this missense variant, however the output from this modeling did not meet the statistical confidence thresholds required to predict the impact of this variant on PDGFRA protein function. In summary, the available evidence is currently insufficient to determine the role of this variant in disease. Therefore, it has been classified as a Variant of Uncertain Significance.

NM_006206.6(PDGFRA):c.1801T>A (p.Ser601Thr)

Gene: PDGFRA (platelet derived growth factor receptor alpha; plus strand). Cytogenetic location: 4q12.
Variant type: single nucleotide variant.
Coding change: c.1801T>A on transcript NM_006206.6 (MANE Select); coding-DNA position 1801, T replaced by A.
Protein change: p.Ser601Thr; replaces serine 601 with threonine.
Molecular consequence: missense variant.
Genome position (GRCh38, 1-based): chr4:54,277,402, T>A. VCF-style: chr4-54277402-T-A. GRCh37 (hg19) VCF-style: chr4-55143569-T-A.
Other names: c.1801T>A, p.Ser601Thr (NM_001347827.2, NM_001347829.2); c.1876T>A, p.Ser626Thr (NM_001347828.2); c.1840T>A, p.Ser614Thr (NM_001347830.2); short protein forms S614T, S601T, S626T.
Identifiers: ClinVar variation 2692904 (VCV002692904.3), dbSNP rs2110308359, ClinGen allele CA356893352.